The following is an entry in ClinVar:

ClinVar aggregate classification (germline): Conflicting classifications of pathogenicity. Review status: criteria provided, conflicting classifications (1 of 4 stars). 5 submissions from 4 submitters: Uncertain significance (3); Benign (1); Likely benign (1). Last evaluated 2025-06-05.

Conditions:
Hereditary cancer-predisposing syndrome. Also called: Neoplastic Syndromes, Hereditary; Hereditary neoplastic syndrome; Tumor predisposition; Hereditary Cancer Syndrome. Identifiers: Orphanet 140162, MedGen C0027672, MeSH D009386, MONDO:0015356.
Hereditary breast ovarian cancer syndrome. Also called: Hereditary breast and ovarian cancer; Hereditary breast and ovarian cancer syndrome (HBOC); Breast and ovarian cancer; BRCA1- and BRCA2-Associated Hereditary Breast and Ovarian Cancer; Hereditary breast and/or ovarian cancer syndrome; Hereditary breast and ovarian cancer syndrome. Identifiers: Orphanet 145, MedGen C0677776, MeSH D061325, MONDO:0003582. Disease mechanism: loss of function.

Submissions (5):

Ambry Genetics
Classification: Uncertain significance for Hereditary cancer-predisposing syndrome. Last evaluated: 2025-06-05. Review status: criteria provided, single submitter. Criteria: Ambry Variant Classification Scheme 2023. Collection method: clinical testing. Allele origin: germline.
Comment: The p.E761D variant (also known as c.2283A>C), located in coding exon 9 of the BRCA1 gene, results from an A to C substitution at nucleotide position 2283. The glutamic acid at codon 761 is replaced by aspartic acid, an amino acid with highly similar properties. This amino acid position is not well conserved in available vertebrate species. In addition, this alteration is predicted to be tolerated by in silico analysis. Based on the available evidence, the clinical significance of this variant remains unclear.

Labcorp Genetics (formerly Invitae), Labcorp
Classification: Uncertain significance for Hereditary breast ovarian cancer syndrome. Last evaluated: 2024-05-05. Review status: criteria provided, single submitter. Criteria: Invitae Variant Classification Sherloc (09022015). Collection method: clinical testing. Allele origin: germline.
Comment: This sequence change replaces glutamic acid, which is acidic and polar, with aspartic acid, which is acidic and polar, at codon 761 of the BRCA1 protein (p.Glu761Asp). This variant is not present in population databases (gnomAD no frequency). This missense change has been observed in individual(s) with personal and/or family history of breast and ovarian cancer (PMID: 30374176). ClinVar contains an entry for this variant (Variation ID: 619018). Advanced modeling of protein sequence and biophysical properties (such as structural, functional, and spatial information, amino acid conservation, physicochemical variation, residue mobility, and thermodynamic stability) performed at Invitae indicates that this missense variant is not expected to disrupt BRCA1 protein function with a negative predictive value of 95%. In summary, the available evidence is currently insufficient to determine the role of this variant in disease. Therefore, it has been classified as a Variant of Uncertain Significance.

University of Washington Department of Laboratory Medicine, University of Washington
Classification: Likely benign for Hereditary cancer-predisposing syndrome. Last evaluated: 2023-03-23. Review status: criteria provided, single submitter. Criteria: Dines et al. (Genet Med. 2020). Collection method: curation. Allele origin: germline.
Comment: Missense variant in a coldspot region where missense variants are very unlikely to be pathogenic (PMID:31911673).

BRCA1 coldspot (exon 11 using historical exon numbering). Reclassification based on statistical prior probability

Color Diagnostics, LLC DBA Color Health
Classification: Uncertain significance for Hereditary cancer-predisposing syndrome. Last evaluated: 2019-01-29. Review status: criteria provided, single submitter. Criteria: ACMG Guidelines, 2015. Collection method: clinical testing. Allele origin: germline.

University of Washington Department of Laboratory Medicine, University of Washington
Classification: Benign for Hereditary breast and ovarian cancer syndrome. Last evaluated: 2018-03-28. Review status: criteria provided, single submitter. Criteria: Tsai GJ et al. (Genet Med 2018). Collection method: research. Allele origin: germline. Inheritance: Autosomal dominant inheritance. Affected: yes.
Comment: The BRCA1 variant designated as NM_007294.2:c.2283A>C (p.E761D), historically known as 2402A>C (p.E761D) is classified as likely benign. Cosegregation analysis in one observed family was performed using an online resource (RaÃ±ola et al, 2018, PMID:28965303) with a likelihood ratio of 0.0001 to 1 that this allele explains the breast cancer in this family (Thompson, et al., 2003, PMID:2900794). This genomic position is not highly conserved. The variant is in a non-functional BRCA1 domain. This variant is not predicted to alter BRCA1 gene function or modify cancer risk. A pathogenic BRCA2 mutation (c.9924C>G, p.Y3308X, historically known as c.10152C>G) co-occurs with this BRCA1 variant in several relatives in the observed family with diagnoses of breast, ovarian, prostate cancer. Bayesian analysis integrating all of this data (Tavtigian et al, 2018, PMID:29300386) gives less than 0.1% probability of pathogenicity, which is consistent with a classification of benign. This analysis was performed in conjunction with the family studies project as part of the University of Washington Find My Variant Study.

Literature cited by the submitters: PubMed 30374176 (cited by Labcorp Genetics (formerly Invitae), Labcorp).

NM_007294.4(BRCA1):c.2283A>C (p.Glu761Asp)

Gene: BRCA1 (BRCA1 DNA repair associated; minus strand). Cytogenetic location: 17q21.31.
Variant type: single nucleotide variant.
Coding change: c.2283A>C on transcript NM_007294.4 (MANE Select); coding-DNA position 2283, A replaced by C.
Protein change: p.Glu761Asp; replaces glutamic acid 761 with aspartic acid.
Molecular consequence: missense variant. On other transcripts: intron variant (137).
Genome position (GRCh38, 1-based): chr17:43,093,248, T>G on the plus strand (A>C on the coding strand, the complement: BRCA1 is on the minus strand). VCF-style: chr17-43093248-T-G. GRCh37 (hg19) VCF-style: chr17-41245265-T-G.
Other names: 2402A>C; c.661+1496A>C (NM_001408445.1, NM_001408432.1, NM_001408450.1 and 6 more transcripts); c.668-2216A>C (NM_001408431.1, NM_001408424.1, NM_001408421.1); c.784+1496A>C (NM_001408407.1, NM_001408402.1, NM_001408473.1 and 13 more transcripts); c.664+1496A>C (NM_001408443.1, NM_001408439.1, NM_001408425.1 and 12 more transcripts); c.671-2216A>C (NM_001408419.1, NM_001408422.1, NM_001408418.1 and 2 more transcripts); c.787+1496A>C (NM_001408403.1, NM_001407983.1, NM_001407975.1 and 17 more transcripts); c.790+1493A>C (NM_001408406.1); and 42 more; short protein forms E761D, E714D, E593D, E690D, E719D, E734D, E758D, E649D.
Identifiers: ClinVar variation 619018 (VCV000619018.16), dbSNP rs1567796302, ClinGen allele CA10597434.